The following is an entry in ClinVar:

NM_016343.4(CENPF):c.8978_8979delinsT (p.Pro2993fs)

Gene: CENPF (centromere protein F; plus strand). Cytogenetic location: 1q41.
Variant type: Indel.
Coding change: c.8978_8979delinsT on transcript NM_016343.4 (MANE Select); coding-DNA positions 8978 to 8979, CG replaced by T.
Protein change: p.Pro2993fs; shifts the reading frame from proline 2993.
Molecular consequence: frameshift variant.
Genome position (GRCh38, 1-based): chr1:214,658,865-214,658,866, CG replaced by T. VCF-style: chr1-214658865-CG-T. GRCh37 (hg19) VCF-style: chr1-214832208-CG-T.
Other names: short protein forms P2993fs.
Identifiers: ClinVar variation 4992486 (VCV004992486.1).
Genomic context (GRCh38, chr1:214,658,865, plus strand): 5'-AGAATTGGACCTAGCAGTGCTGACAGTTATTTTTTTTGCCCTTAGGGTTTGCTGACATCC[CG>T]ACAGGAAAGACTAGCCCATATATCCTGCGAAGAACAACCATGGCAACTCGGACCAGCCCC-3'

ClinVar aggregate classification (germline): Likely pathogenic (1 of 4 stars; one submission).

Conditions:
CENPF-related disorder. Also called: CENPF-related condition.

Submission:

PreventionGenetics, part of Exact Sciences
Classification: Likely pathogenic for CENPF-related condition. Last evaluated: 2026-07-14. Review status: criteria provided, single submitter. Criteria: ACMG Guidelines, 2015. Collection method: clinical testing. Allele origin: germline.
Comment: The CENPF c.8978_8979delinsT variant is predicted to result in a frameshift and premature protein termination (p.Pro2993Leufs*28). To our knowledge, this variant has not been reported in the literature or in a large population database (gnomAD), indicating this variant is rare. Frameshift variants in CENPF are expected to be pathogenic. This variant is interpreted as likely pathogenic.